The following is an entry in ClinVar:

NM_014244.5(ADAMTS2):c.1281C>T (p.Asp427=)

Gene: ADAMTS2 (ADAM metallopeptidase with thrombospondin type 1 motif 2; minus strand). Cytogenetic location: 5q35.3.
Variant type: single nucleotide variant.
Coding change: c.1281C>T on transcript NM_014244.5 (MANE Select); coding-DNA position 1281, C replaced by T.
Protein change: p.Asp427=; no amino-acid change (aspartic acid 427 retained).
Molecular consequence: synonymous variant.
Genome position (GRCh38, 1-based): chr5:179,154,150, G>A on the plus strand (C>T on the coding strand, the complement: ADAMTS2 is on the minus strand). VCF-style: chr5-179154150-G-A. GRCh37 (hg19) VCF-style: chr5-178581151-G-A.
Other names: p.Asp427=; c.1281C>T, p.Asp427= (NM_021599.4).
Identifiers: ClinVar variation 198855 (VCV000198855.21), dbSNP rs34424371, ClinGen allele CA203648.

ClinVar aggregate classification (germline): Benign. Review status: criteria provided, multiple submitters, no conflicts (2 of 4 stars). 7 submissions from 7 submitters: Benign (6). 1 of the submissions does not count toward it. Last evaluated 2026-02-02.

Conditions:
Ehlers-Danlos syndrome, dermatosparaxis type. Also called: Ehlers-Danlos syndrome, type VII, autosomal recessive; Dermatosparaxis; EDS VIIC. Identifiers: Orphanet 1901, MedGen C2700425, MONDO:0009161, OMIM 225410.

Allele frequency attached by ClinVar (database versions not stated): gnomAD exomes 0.00263 and 0.00707; ExAC 0.01490; gnomAD 0.02465 and 0.02621; ESP Exome Variant Server 0.02551; TOPMed 0.02824; 1000 Genomes Project 0.02835; 1000 Genomes Project 30x 0.02873.
gnomAD v4.1: 7,680 of 1,578,486 alleles (0.49%); highest among the groups gnomAD compares: African/African-American, 8.5%; 316 homozygotes.

Submissions (7):

Labcorp Genetics (formerly Invitae), Labcorp
Classification: Benign for Ehlers-Danlos syndrome, dermatosparaxis type. Last evaluated: 2026-02-02. Review status: criteria provided, single submitter. Criteria: Invitae Variant Classification Sherloc (09022015). Collection method: clinical testing. Allele origin: germline.

Women's Health and Genetics/Laboratory Corporation of America, LabCorp
Classification: Benign. Last evaluated: 2020-01-30. Review status: criteria provided, single submitter. Criteria: LabCorp Variant Classification Summary - May 2015. Collection method: clinical testing. Allele origin: germline.

Mayo Clinic Laboratories, Mayo Clinic
Classification: Benign. Last evaluated: 2019-12-13. Review status: criteria provided, single submitter. Criteria: ACMG Guidelines, 2015. Collection method: clinical testing. Allele origin: germline. Observed: 32 variant alleles.

Illumina Laboratory Services, Illumina
Classification: Benign for Ehlers-Danlos syndrome, dermatosparaxis type. Last evaluated: 2018-01-12. Review status: criteria provided, single submitter. Criteria: ICSL Variant Classification Criteria 13 December 2019. Collection method: clinical testing. Allele origin: germline.
Comment: This variant was observed in the ICSL laboratory as part of a predisposition screen in an ostensibly healthy population. It had not been previously curated by ICSL or reported in the Human Gene Mutation Database (HGMD: prior to June 1st, 2018), and was therefore a candidate for classification through an automated scoring system. Utilizing variant allele frequency, disease prevalence and penetrance estimates, and inheritance mode, an automated score was calculated to assess if this variant is too frequent to cause the disease. Based on the score and internal cut-off values, a variant classified as benign is not then subjected to further curation. The score for this variant resulted in a classification of benign for this disease.

GeneDx
Classification: Benign. Last evaluated: 2016-10-24. Review status: criteria provided, single submitter. Criteria: GeneDx Variant Classification (06012015). Collection method: clinical testing. Allele origin: germline. Affected: yes.
Comment: This variant is considered likely benign or benign based on one or more of the following criteria: it is a conservative change, it occurs at a poorly conserved position in the protein, it is predicted to be benign by multiple in silico algorithms, and/or has population frequency not consistent with disease.

Eurofins Ntd Llc (ga)
Classification: Benign. Last evaluated: 2015-05-22. Review status: criteria provided, single submitter. Criteria: EGL Classification Definitions 2015. Collection method: clinical testing. Allele origin: germline. Observed: 1 variant allele, 1 heterozygote.

Natera, Inc.
Classification: Benign for Ehlers-Danlos syndrome type VIIC. Last evaluated: 2020-09-16. Review status: no assertion criteria provided. Collection method: clinical testing. Allele origin: germline. Not counted in ClinVar's aggregate classification.